The following is an entry in ClinVar:

ClinVar aggregate classification (germline): Uncertain significance (1 of 4 stars; one submission).

Conditions:
sudden cardiac failure. Identifiers: MedGen CN381619.
Cardiomyopathy, mitochondrial. Also called: Maternally inherited cardiomyopathy; Mitochondrial cardiomyopathy disorder. Identifiers: MedGen C3532239.

Submission:

Clinical Genomics Laboratory, Stanford Medicine
Classification: Uncertain significance for mitochondrial cardiomyopathy; sudden cardiac failure. Last evaluated: 2021-11-15. Review status: criteria provided, single submitter. Criteria: ACMG Guidelines, 2015. Collection method: clinical testing. Allele origin: germline. Observed: 1 variant allele, 1 heterozygote.
Comment: The p.His153Gln variant in the PPA2 gene has not been previously reported in association with disease. This variant was absent from large population databases, including the Genome Aggregation Database. The histidine at position 153 is not evolutionarily conserved. Computational tools predict that the p.His153Gln variant does not impact protein function; however, the accuracy of in silico algorithms is limited. These data were assessed using the ACMG/AMP variant interpretation guidelines. In summary, the significance of the p.His153Gln variant is uncertain. Additional information is needed to resolve the significance of this variant. [ACMG evidence codes used: PM2; BP4]

NM_176869.3(PPA2):c.459T>A (p.His153Gln)

Gene: PPA2 (inorganic pyrophosphatase 2; minus strand). Cytogenetic location: 4q24.
Variant type: single nucleotide variant.
Coding change: c.459T>A on transcript NM_176869.3 (MANE Select); coding-DNA position 459, T replaced by A.
Protein change: p.His153Gln; replaces histidine 153 with glutamine.
Molecular consequence: missense variant. On other transcripts: intron variant (3).
Genome position (GRCh38, 1-based): chr4:105,438,019, A>T on the plus strand (T>A on the coding strand, the complement: PPA2 is on the minus strand). VCF-style: chr4-105438019-A-T. GRCh37 (hg19) VCF-style: chr4-106359176-A-T.
Other names: c.157+35875T>A (NM_176867.3); c.223-13697T>A (NM_176866.2); c.441+8364T>A (NM_006903.4); short protein forms H153Q.
Identifiers: ClinVar variation 3778641 (VCV003778641.1).